The following is an entry in ClinVar:

ClinVar aggregate classification (germline): Uncertain significance (1 of 4 stars; one submission).

Allele frequency attached by ClinVar (database versions not stated): gnomAD exomes below 0.00001; ExAC 0.00001; gnomAD 0.00001.
gnomAD v4.1: 3 of 1,614,006 alleles (0.00019%); highest among the groups gnomAD compares: Non-Finnish European, 0.00025%; no homozygotes.

Submission:

Ambry Genetics
Classification: Uncertain significance. Last evaluated: 2023-04-14. Review status: criteria provided, single submitter. Criteria: Ambry Variant Classification Scheme 2023. Collection method: clinical testing. Allele origin: germline.
Comment: The p.L195F variant (also known as c.583C>T), located in coding exon 5 of the KIF1B gene, results from a C to T substitution at nucleotide position 583. The leucine at codon 195 is replaced by phenylalanine, an amino acid with highly similar properties. This amino acid position is conserved. In addition, this alteration is predicted to be deleterious by in silico analysis. Since supporting evidence is limited at this time, the clinical significance of this alteration remains unclear.

NM_001365951.3(KIF1B):c.583C>T (p.Leu195Phe)

Gene: KIF1B (kinesin family member 1B; plus strand). Cytogenetic location: 1p36.22.
Variant type: single nucleotide variant.
Coding change: c.583C>T on transcript NM_001365951.3 (MANE Select); coding-DNA position 583, C replaced by T.
Protein change: p.Leu195Phe; replaces leucine 195 with phenylalanine.
Molecular consequence: missense variant.
Genome position (GRCh38, 1-based): chr1:10,267,533, C>T. VCF-style: chr1-10267533-C-T. GRCh37 (hg19) VCF-style: chr1-10327591-C-T.
Other names: c.583C>T, p.Leu195Phe (NM_001365952.1, NM_001365953.1, NM_015074.3 and 1 more transcripts); short protein forms L195F.
Identifiers: ClinVar variation 2561690 (VCV002561690.2), dbSNP rs772091383, ClinGen allele CA580730.